The following is an entry in ClinVar:

NM_001365480.1(CCDC88A):c.700C>T (p.Pro234Ser)

Gene: CCDC88A (coiled-coil and HOOK domain protein 88A; minus strand). Cytogenetic location: 2p16.1.
Variant type: single nucleotide variant.
Coding change: c.700C>T on transcript NM_001365480.1 (MANE Select); coding-DNA position 700, C replaced by T.
Protein change: p.Pro234Ser; replaces proline 234 with serine.
Molecular consequence: missense variant.
Genome position (GRCh38, 1-based): chr2:55,355,679, G>A on the plus strand (C>T on the coding strand, the complement: CCDC88A is on the minus strand). VCF-style: chr2-55355679-G-A. GRCh37 (hg19) VCF-style: chr2-55582815-G-A.
Other names: c.700C>T, p.Pro234Ser (NM_001135597.2, NM_001254943.2, NM_018084.5); short protein forms P234S.
Identifiers: ClinVar variation 1483496 (VCV001483496.8), dbSNP rs778656661, ClinGen allele CA1666313.

ClinVar aggregate classification (germline): Uncertain significance (1 of 4 stars; one submission).

Allele frequency attached by ClinVar (database versions not stated): gnomAD exomes below 0.00001 and 0.00001; TOPMed below 0.00001; ExAC 0.00001.
gnomAD v4.1: 6 of 1,613,970 alleles (0.00037%); highest among the groups gnomAD compares: East Asian, 0.0067%; no homozygotes.

Submission:

Labcorp Genetics (formerly Invitae), Labcorp
Classification: Uncertain significance. Last evaluated: 2021-03-29. Review status: criteria provided, single submitter. Criteria: Invitae Variant Classification Sherloc (09022015). Collection method: clinical testing. Allele origin: germline.
Comment: This variant has not been reported in the literature in individuals with CCDC88A-related conditions. Algorithms developed to predict the effect of missense changes on protein structure and function are either unavailable or do not agree on the potential impact of this missense change (SIFT: "Deleterious"; PolyPhen-2: "Probably Damaging"; Align-GVGD: "Class C0"). In summary, the available evidence is currently insufficient to determine the role of this variant in disease. Therefore, it has been classified as a Variant of Uncertain Significance. This variant is present in population databases (rs778656661, ExAC 0.01%). This sequence change replaces proline with serine at codon 234 of the CCDC88A protein (p.Pro234Ser). The proline residue is moderately conserved and there is a moderate physicochemical difference between proline and serine.